The following is an entry in ClinVar:

NC_000006.12:g.(?_129502639)_(129514615_?)del

Genes: LAMA2 (laminin subunit alpha 2; plus strand), LOC126859784 (CDK7 strongly-dependent group 2 enhancer GRCh37_chr6:129822854-129824053; plus strand). Cytogenetic location: 6q22.33.
Variant type: Deletion.
Identifiers: ClinVar variation 477437 (VCV000477437.9).

ClinVar aggregate classification (germline): Likely pathogenic (1 of 4 stars; one submission).

Conditions:
LAMA2-related muscular dystrophy (LAMA2-RD). Also called: Laminin alpha 2-related dystrophy. Identifiers: MedGen C5679788, MONDO:0100228.

Submission:

Labcorp Genetics (formerly Invitae), Labcorp
Classification: Likely pathogenic for LAMA2-related muscular dystrophy. Last evaluated: 2017-03-28. Review status: criteria provided, single submitter. Criteria: Invitae Variant Classification Sherloc (09022015). Collection method: clinical testing. Allele origin: germline.
Comment: This variant is a gross deletion of the genomic region encompassing exons 59-64 of the LAMA2 gene. While this deletion is not anticipated to result in nonsense mediated decay, it is expected to create a truncated protein product or disrupt mRNA translation. This variant has not been reported in the literature in individuals with a LAMA2-related disease. Different sub-genic deletions in this area (deletion exon 63, deletion exons 59-63) have been determined to be pathogenic (PMID: 24611677). This suggests that these exons are critical for LAMA2 protein function and that other deletions of this region may also be pathogenic. In summary, this variant is a novel subgenic deletion of 5 exons thought to be functionally important. This evidence indicates that the variant is pathogenic, but additional data is needed to prove that conclusively. Therefore, this variant has been classified as Likely Pathogenic.

Literature cited by the submitters: PubMed 24611677.